The following is an entry in ClinVar:

NM_000051.4(ATM):c.3133T>A (p.Cys1045Ser)

Gene: ATM (ATM serine/threonine kinase; plus strand). Cytogenetic location: 11q22.3.
Variant type: single nucleotide variant.
Coding change: c.3133T>A on transcript NM_000051.4 (MANE Select); coding-DNA position 3133, T replaced by A.
Protein change: p.Cys1045Ser; replaces cysteine 1045 with serine.
Molecular consequence: missense variant.
Genome position (GRCh38, 1-based): chr11:108,272,587, T>A. VCF-style: chr11-108272587-T-A. GRCh37 (hg19) VCF-style: chr11-108143314-T-A.
Other names: c.3133T>A, p.Cys1045Ser (NM_001351834.2); short protein forms C1045S.
Identifiers: ClinVar variation 822966 (VCV000822966.4), dbSNP rs1565427891, ClinGen allele CA382515286.

ClinVar aggregate classification (germline): Uncertain significance (1 of 4 stars; one submission).

Conditions:
Hereditary cancer-predisposing syndrome. Also called: Tumor predisposition; Hereditary Cancer Syndrome; Neoplastic Syndromes, Hereditary; Hereditary neoplastic syndrome. Identifiers: Orphanet 140162, MedGen C0027672, MeSH D009386, MONDO:0015356.

Submission:

Ambry Genetics
Classification: Uncertain significance for Hereditary cancer-predisposing syndrome. Last evaluated: 2018-11-23. Review status: criteria provided, single submitter. Criteria: Ambry Variant Classification Scheme 2023. Collection method: clinical testing. Allele origin: germline.
Comment: The p.C1045S variant (also known as c.3133T>A), located in coding exon 20 of the ATM gene, results from a T to A substitution at nucleotide position 3133. The cysteine at codon 1045 is replaced by serine, an amino acid with dissimilar properties. This amino acid position is highly conserved in available vertebrate species. In addition, this alteration is predicted to be deleterious by in silico analysis. Since supporting evidence is limited at this time, the clinical significance of this alteration remains unclear.